The following is an entry in ClinVar:

NM_000091.5(COL4A3):c.2011G>A (p.Gly671Ser)

Genes: COL4A3 (collagen type IV alpha 3 chain; plus strand), MFF-DT (MFF divergent transcript; minus strand). Cytogenetic location: 2q36.3.
Variant type: single nucleotide variant.
Coding change: c.2011G>A on transcript NM_000091.5 (MANE Select); coding-DNA position 2011, G replaced by A.
Protein change: p.Gly671Ser; replaces glycine 671 with serine.
Molecular consequence: missense variant.
Genome position (GRCh38, 1-based): chr2:227,276,468, G>A. VCF-style: chr2-227276468-G-A. GRCh37 (hg19) VCF-style: chr2-228141184-G-A.
Other names: short protein forms G671S.
Identifiers: ClinVar variation 5037497 (VCV005037497.1).
Genomic context (GRCh38, chr2:227,276,468, plus strand): 5'-TCAACACCAGTTCCAGGCCCACCAGGACCTCCAGGGCCCCCTGGCCATCCTGGCCCCCAA[G>A]GTCCACCTGGTAAGTATCCTCTGCCAAATCTGGTACATGGCATCAGACACACACAACACC-3'
Protein context (NP_000082.2, residues 661-681): PGPPGHPGPQ[Gly671Ser]PPGIPGSLGK

ClinVar aggregate classification (germline): Uncertain significance (1 of 4 stars; one submission).

Submission:

GeneDx
Classification: Uncertain significance. Last evaluated: 2026-04-23. Review status: criteria provided, single submitter. Criteria: GeneDx Variant Classification Process June 2021. Collection method: clinical testing. Allele origin: germline.
Comment: In silico analysis supports that this missense variant has a deleterious effect on protein structure/function; Affects a glycine residue in a Gly-X-Y motif in the triple helical region of the COL4A3 gene; Has not been previously published as pathogenic or benign to our knowledge